The following is an entry in ClinVar:

NM_014727.3(KMT2B):c.2531C>T (p.Ser844Phe)

Gene: KMT2B (lysine methyltransferase 2B; plus strand). Cytogenetic location: 19q13.12.
Variant type: single nucleotide variant.
Coding change: c.2531C>T on transcript NM_014727.3 (MANE Select); coding-DNA position 2531, C replaced by T.
Protein change: p.Ser844Phe; replaces serine 844 with phenylalanine.
Molecular consequence: missense variant.
Genome position (GRCh38, 1-based): chr19:35,722,432, C>T. VCF-style: chr19-35722432-C-T. GRCh37 (hg19) VCF-style: chr19-36213334-C-T.
Other names: short protein forms S844F.
Identifiers: ClinVar variation 2579405 (VCV002579405.1), dbSNP rs1276973211, ClinGen allele CA405398495.

ClinVar aggregate classification (germline): Uncertain significance (1 of 4 stars; one submission).

Allele frequency attached by ClinVar (database versions not stated): TOPMed below 0.00001; gnomAD 0.00001.
gnomAD v4.1: 2 of 1,610,362 alleles (0.00012%); highest among the groups gnomAD compares: Admixed American, 0.0017%; no homozygotes.

Submission:

GeneDx
Classification: Uncertain significance. Last evaluated: 2023-03-05. Review status: criteria provided, single submitter. Criteria: GeneDx Variant Classification Process June 2021. Collection method: clinical testing. Allele origin: germline. Affected: yes.
Comment: Not observed at significant frequency in large population cohorts (gnomAD); In silico analysis supports that this missense variant does not alter protein structure/function; Has not been previously published as pathogenic or benign to our knowledge